The following is an entry in ClinVar:

NM_025114.4(CEP290):c.1166A>T (p.Lys389Ile)

Gene: CEP290 (centrosomal protein 290; minus strand). Cytogenetic location: 12q21.32.
Variant type: single nucleotide variant.
Coding change: c.1166A>T on transcript NM_025114.4 (MANE Select); coding-DNA position 1166, A replaced by T.
Protein change: p.Lys389Ile; replaces lysine 389 with isoleucine.
Molecular consequence: missense variant.
Genome position (GRCh38, 1-based): chr12:88,125,269, T>A on the plus strand (A>T on the coding strand, the complement: CEP290 is on the minus strand). VCF-style: chr12-88125269-T-A. GRCh37 (hg19) VCF-style: chr12-88519046-T-A.
Other names: short protein forms K389I.
Identifiers: ClinVar variation 1483040 (VCV001483040.8), dbSNP rs2138000943, ClinGen allele CA385981133.

ClinVar aggregate classification (germline): Uncertain significance (1 of 4 stars; one submission).

Conditions:
Nephronophthisis. Also called: Juvenile Nephronophthisis. Identifiers: Orphanet 655, MedGen C0687120, MONDO:0019005, HP:0000090.
Meckel-Gruber syndrome. Also called: DYSENCEPHALIA SPLANCHNOCYSTICA; GRUBER SYNDROME; Dysencephalia splachnocystica. Identifiers: Orphanet 564, MedGen C0265215, MONDO:0018921.
Joubert syndrome. Also called: CEREBELLOPARENCHYMAL DISORDER IV; JOUBERT-BOLTSHAUSER SYNDROME; Familial aplasia of the vermis. Identifiers: Orphanet 475, MedGen C5979921, MONDO:0018772.

Submission:

Labcorp Genetics (formerly Invitae), Labcorp
Classification: Uncertain significance for Joubert syndrome; Meckel-Gruber syndrome; Nephronophthisis. Last evaluated: 2020-11-13. Review status: criteria provided, single submitter. Criteria: Invitae Variant Classification Sherloc (09022015). Collection method: clinical testing. Allele origin: germline.
Comment: This sequence change replaces lysine with isoleucine at codon 389 of the CEP290 protein (p.Lys389Ile). The lysine residue is moderately conserved and there is a moderate physicochemical difference between lysine and isoleucine. This variant is not present in population databases (ExAC no frequency). This variant has not been reported in the literature in individuals with CEP290-related conditions. Algorithms developed to predict the effect of missense changes on protein structure and function are either unavailable or do not agree on the potential impact of this missense change (SIFT: "Tolerated"; PolyPhen-2: "Probably Damaging"; Align-GVGD: "Class C0"). In summary, the available evidence is currently insufficient to determine the role of this variant in disease. Therefore, it has been classified as a Variant of Uncertain Significance.